The following is an entry in ClinVar:

ClinVar aggregate classification (germline): Uncertain significance (1 of 4 stars; one submission).

Conditions:
Familial thoracic aortic aneurysm and aortic dissection (TAAD). Also called: Thoracic aortic aneurysms and dissections. Identifiers: Orphanet 91387, MedGen C4707243, MONDO:0019625.

Submission:

Ambry Genetics
Classification: Uncertain significance for Familial thoracic aortic aneurysm and aortic dissection. Last evaluated: 2026-07-21. Review status: criteria provided, single submitter. Criteria: Ambry Variant Classification Scheme 2023. Collection method: clinical testing. Allele origin: germline.
Comment: The p.V361M variant (also known as c.1081G>A) is located in coding exon 7 of the TGFB3 gene. The valine at codon 361 is replaced by methionine, an amino acid with highly similar properties. This change occurs in the first base pair of coding exon 7. This amino acid position is conserved. In addition, the in silico prediction for this alteration is inconclusive. Based on the available evidence, the clinical significance of this variant remains unclear.

NM_003239.5(TGFB3):c.1081G>A (p.Val361Met)

Gene: TGFB3 (transforming growth factor beta 3; minus strand). Cytogenetic location: 14q24.3.
Variant type: single nucleotide variant.
Coding change: c.1081G>A on transcript NM_003239.5 (MANE Select); coding-DNA position 1081, G replaced by A.
Protein change: p.Val361Met; replaces valine 361 with methionine.
Molecular consequence: missense variant.
Genome position (GRCh38, 1-based): chr14:75,959,345, C>T on the plus strand (G>A on the coding strand, the complement: TGFB3 is on the minus strand). VCF-style: chr14-75959345-C-T. GRCh37 (hg19) VCF-style: chr14-76425688-C-T.
Other names: c.1081G>A, p.Val361Met (NM_001329939.2); short protein forms V361M.
Identifiers: ClinVar variation 5030817 (VCV005030817.1).